The following is an entry in ClinVar:

ClinVar aggregate classification (germline): Uncertain significance (1 of 4 stars; one submission).

Submission:

GeneDx
Classification: Uncertain significance. Last evaluated: 2026-03-26. Review status: criteria provided, single submitter. Criteria: GeneDx Variant Classification Process June 2021. Collection method: clinical testing. Allele origin: germline.
Comment: Not observed at significant frequency in large population cohorts (gnomAD); In silico analysis supports that this missense variant has a deleterious effect on protein structure/function; Has not been previously published as pathogenic or benign to our knowledge

NM_007215.4(POLG2):c.545G>T (p.Arg182Leu)

Genes: MILR1 (mast cell immunoglobulin like receptor 1; plus strand), POLG2 (DNA polymerase gamma 2, accessory subunit; minus strand). Cytogenetic location: 17q23.3.
Variant type: single nucleotide variant.
Coding change: c.545G>T on transcript NM_007215.4 (MANE Select); coding-DNA position 545, G replaced by T.
Protein change: p.Arg182Leu; replaces arginine 182 with leucine.
Molecular consequence: missense variant.
Genome position (GRCh38, 1-based): chr17:64,496,424, C>A on the plus strand (G>T on the coding strand, the complement: POLG2 is on the minus strand). VCF-style: chr17-64496424-C-A. GRCh37 (hg19) VCF-style: chr17-62492542-C-A.
Other names: short protein forms R182L.
Identifiers: ClinVar variation 5016918 (VCV005016918.1).
Genomic context (GRCh38, chr17:64,496,424, plus strand): 5'-TCCACCCGACACCTGTTTTGAAGCATGAAATCGTGAAGCATACCGTGAAGAAGGTTCTCC[C>A]GTAGTTTCCCAGAAGTTTTTAATACGTTCTCAAGAAATGCTACTAGCTGTTCCTTACTCA-3'
Protein context (NP_009146.2, residues 172-192): ENVLKTSGKL[Arg182Leu]ENLLHGALEH